The following is an entry in ClinVar:

NM_001145809.2(MYH14):c.4596C>T (p.Ala1532=)

Gene: MYH14 (myosin heavy chain 14; plus strand). Cytogenetic location: 19q13.33.
Variant type: single nucleotide variant.
Coding change: c.4596C>T on transcript NM_001145809.2 (MANE Select); coding-DNA position 4596, C replaced by T.
Protein change: p.Ala1532=; no amino-acid change (alanine 1532 retained).
Molecular consequence: synonymous variant.
Genome position (GRCh38, 1-based): chr19:50,286,538, C>T. VCF-style: chr19-50286538-C-T. GRCh37 (hg19) VCF-style: chr19-50789795-C-T.
Other names: p.Ala1491=; c.4497C>T, p.Ala1499= (NM_001077186.2); c.4473C>T, p.Ala1491= (NM_024729.4).
Identifiers: ClinVar variation 178618 (VCV000178618.19), dbSNP rs35453633, ClinGen allele CA182676.

ClinVar aggregate classification (germline): Benign. Review status: criteria provided, multiple submitters, no conflicts (2 of 4 stars). 7 submissions from 7 submitters: Benign (7). Last evaluated 2026-01-01.

Conditions:
Autosomal dominant nonsyndromic hearing loss 4A. Also called: Deafness, autosomal dominant 4A. Identifiers: Orphanet 90635, MedGen C1833503, MONDO:0010915, OMIM 600652.

Allele frequency attached by ClinVar (database versions not stated): TOPMed 0.01296; 1000 Genomes Project 0.01438; 1000 Genomes Project 30x 0.01546; gnomAD exomes 0.00113 and 0.00301; ExAC 0.00420; gnomAD 0.01151 and 0.01258; ESP Exome Variant Server 0.01271.
gnomAD v4.1: 3,451 of 1,613,374 alleles (0.21%); highest among the groups gnomAD compares: African/African-American, 3.9%; 68 homozygotes.

Submissions (7):

Labcorp Genetics (formerly Invitae), Labcorp
Classification: Benign. Last evaluated: 2026-01-01. Review status: criteria provided, single submitter. Criteria: Invitae Variant Classification Sherloc (09022015). Collection method: clinical testing. Allele origin: germline.

Mayo Clinic Laboratories, Mayo Clinic
Classification: Benign. Last evaluated: 2020-02-12. Review status: criteria provided, single submitter. Criteria: ACMG Guidelines, 2015. Collection method: clinical testing. Allele origin: germline. Observed: 11 variant alleles.

Athena Diagnostics
Classification: Benign. Last evaluated: 2018-11-12. Review status: criteria provided, single submitter. Criteria: Athena Diagnostics Criteria. Collection method: clinical testing. Allele origin: germline.

Illumina Laboratory Services, Illumina
Classification: Benign for Autosomal dominant nonsyndromic hearing loss 4A. Last evaluated: 2018-01-13. Review status: criteria provided, single submitter. Criteria: ICSL Variant Classification Criteria 13 December 2019. Collection method: clinical testing. Allele origin: germline.
Comment: This variant was observed in the ICSL laboratory as part of a predisposition screen in an ostensibly healthy population. It had not been previously curated by ICSL or reported in the Human Gene Mutation Database (HGMD: prior to June 1st, 2018), and was therefore a candidate for classification through an automated scoring system. Utilizing variant allele frequency, disease prevalence and penetrance estimates, and inheritance mode, an automated score was calculated to assess if this variant is too frequent to cause the disease. Based on the score and internal cut-off values, a variant classified as benign is not then subjected to further curation. The score for this variant resulted in a classification of benign for this disease.

GeneDx
Classification: Benign. Last evaluated: 2017-10-23. Review status: criteria provided, single submitter. Criteria: GeneDx Variant Classification (06012015). Collection method: clinical testing. Allele origin: germline. Affected: yes.
Comment: This variant is considered likely benign or benign based on one or more of the following criteria: it is a conservative change, it occurs at a poorly conserved position in the protein, it is predicted to be benign by multiple in silico algorithms, and/or has population frequency not consistent with disease.

Laboratory for Molecular Medicine, Mass General Brigham Personalized Medicine
Classification: Benign. Last evaluated: 2012-05-07. Review status: criteria provided, single submitter. Criteria: LMM Criteria. Collection method: clinical testing. Allele origin: germline. Observed: 10 variant alleles.
Comment: "Ala1532Ala in Exon 34 of MYH14: This variant is not expected to have clinical s ignificance because it does not alter an amino acid residue, is not located with in the splice consensus sequence, and has been identified in 3.6% (124/3456) of African American chromosomes from a broad population by the NHLBI Exome Sequenci ng Project (dbSNP rs35453633)."

Breakthrough Genomics
Classification: Benign. Review status: criteria provided, single submitter. Criteria: ACMG Guidelines, 2015. Collection method: not provided. Allele origin: germline. Inheritance: Autosomal dominant inheritance. Affected: yes.